The following is an entry in ClinVar:

ClinVar aggregate classification (germline): Uncertain significance (1 of 4 stars; one submission).

Submission:

Ambry Genetics
Classification: Uncertain significance. Last evaluated: 2026-04-05. Review status: criteria provided, single submitter. Criteria: Ambry Variant Classification Scheme 2023. Collection method: clinical testing. Allele origin: germline.
Comment: The p.L1604P variant (also known as c.4811T>C), located in coding exon 19 of the WNK2 gene, results from a T to C substitution at nucleotide position 4811. The leucine at codon 1604 is replaced by proline, an amino acid with similar properties. This amino acid position is conserved. In addition, this alteration is predicted to be tolerated by in silico analysis. Based on the available evidence, the clinical significance of this variant remains unclear.

NM_006648.4(WNK2):c.4811T>C (p.Leu1604Pro)

Gene: WNK2 (WNK lysine deficient protein kinase 2; plus strand). Cytogenetic location: 9q22.31.
Variant type: single nucleotide variant.
Coding change: c.4811T>C on transcript NM_006648.4 (MANE Select); coding-DNA position 4811, T replaced by C.
Protein change: p.Leu1604Pro; replaces leucine 1604 with proline.
Molecular consequence: missense variant.
Genome position (GRCh38, 1-based): chr9:93,289,565, T>C. VCF-style: chr9-93289565-T-C. GRCh37 (hg19) VCF-style: chr9-96051847-T-C.
Other names: c.4922T>C, p.Leu1641Pro (NM_001282394.3); short protein forms L1604P, L1641P.
Identifiers: ClinVar variation 4866567 (VCV004866567.1).
Genomic context (GRCh38, chr9:93,289,565, plus strand): 5'-CCCTGGAGCCCCTGAGAGGGGACCAGCCCCGCTCAGAGGTCTGCGGGGGGGACCTGGCCC[T>C]GCCCCCAGTGCCTAAGGAGGCGGTCTCAGGGCGTGTCCAGCTGCCCCAGCCCTTGGTGAG-3'
Protein context (NP_006639.3, residues 1594-1614): RSEVCGGDLA[Leu1604Pro]PPVPKEAVSG